The following is an entry in ClinVar:

ClinVar aggregate classification (germline): Uncertain significance. Review status: criteria provided, multiple submitters, no conflicts (2 of 4 stars). 2 submissions from 2 submitters: Uncertain significance (2). Last evaluated 2025-03-30.

Conditions:
Pheochromocytoma/paraganglioma syndrome 3. Also called: GLOMUS TUMORS, FAMILIAL, 3; SDHC-Related Hereditary Paraganglioma-Pheochromocytoma Syndrome; Paragangliomas 3; SDHC-Related Hereditary Paraganglioma-Pheochromocytoma Syndrome (Paragangliomas 3). Identifiers: Orphanet 29072, MedGen C1854336, MONDO:0011544, OMIM 605373.
Gastrointestinal stromal tumor. Also called: Gastrointestinal stromal tumor, somatic; Gastrointestinal stroma tumor. Identifiers: Orphanet 44890, MedGen C0238198, MeSH D046152, MONDO:0011719, OMIM 606764, HP:0100723.
Hereditary cancer-predisposing syndrome. Also called: Hereditary neoplastic syndrome; Neoplastic Syndromes, Hereditary; Hereditary Cancer Syndrome; Tumor predisposition. Identifiers: Orphanet 140162, MedGen C0027672, MeSH D009386, MONDO:0015356.

Allele frequency attached by ClinVar (database versions not stated): TOPMed below 0.00001; gnomAD 0.00001.

Submissions (2):

Ambry Genetics
Classification: Uncertain significance for Hereditary cancer-predisposing syndrome. Last evaluated: 2025-03-30. Review status: criteria provided, single submitter. Criteria: Ambry Variant Classification Scheme 2023. Collection method: clinical testing. Allele origin: germline.
Comment: The p.M87I variant (also known as c.261G>T), located in coding exon 5 of the SDHC gene, results from a G to T substitution at nucleotide position 261. The methionine at codon 87 is replaced by isoleucine, an amino acid with highly similar properties. This amino acid position is conserved. In addition, the in silico prediction for this alteration is inconclusive. Based on the available evidence, the clinical significance of this variant remains unclear.

Labcorp Genetics (formerly Invitae), Labcorp
Classification: Uncertain significance for Pheochromocytoma/paraganglioma syndrome 3; Gastrointestinal stromal tumor. Last evaluated: 2022-08-13. Review status: criteria provided, single submitter. Criteria: Invitae Variant Classification Sherloc (09022015). Collection method: clinical testing. Allele origin: germline.
Comment: ClinVar contains an entry for this variant (Variation ID: 566504). In summary, the available evidence is currently insufficient to determine the role of this variant in disease. Therefore, it has been classified as a Variant of Uncertain Significance. Algorithms developed to predict the effect of missense changes on protein structure and function (SIFT, PolyPhen-2, Align-GVGD) all suggest that this variant is likely to be tolerated. This variant has not been reported in the literature in individuals affected with SDHC-related conditions. This variant is not present in population databases (gnomAD no frequency). This sequence change replaces methionine, which is neutral and non-polar, with isoleucine, which is neutral and non-polar, at codon 87 of the SDHC protein (p.Met87Ile).

NM_003001.5(SDHC):c.261G>T (p.Met87Ile)

Gene: SDHC (succinate dehydrogenase complex subunit C; plus strand). Cytogenetic location: 1q23.3.
Variant type: single nucleotide variant.
Coding change: c.261G>T on transcript NM_003001.5 (MANE Select); coding-DNA position 261, G replaced by T.
Protein change: p.Met87Ile; replaces methionine 87 with isoleucine.
Molecular consequence: missense variant. On other transcripts: non-coding transcript variant (1), intron variant (3).
Genome position (GRCh38, 1-based): chr1:161,356,696, G>T. VCF-style: chr1-161356696-G-T. GRCh37 (hg19) VCF-style: chr1-161326486-G-T.
Other names: c.159G>T, p.Met53Ile (NM_001035512.3); c.102G>T, p.Met34Ile (NM_001035513.3); c.381G>T, p.Met127Ile (NM_001407115.1); c.204G>T, p.Met68Ile (NM_001407116.1); c.198G>T, p.Met66Ile (NM_001407117.1); c.153G>T, p.Met51Ile (NM_001407118.1); c.150G>T, p.Met50Ile (NM_001407119.1, NM_001407120.1); c.242-5633G>T (NM_001035511.3); and 2 more; short protein forms M87I, M53I, M34I, M127I, M66I, M50I, M51I, M68I.
Identifiers: ClinVar variation 566504 (VCV000566504.10), dbSNP rs1558182772, ClinGen allele CA343456274.